The following is an entry in ClinVar:

NM_139058.3(ARX):c.337_338insGCG (p.Ala112_Ala113insGly)

Genes: ARX (aristaless related homeobox; minus strand), LOC109610631 (aristaless related homeobox polyalanine expansion region; plus strand). Cytogenetic location: Xp21.3.
Variant type: Insertion.
Coding change: c.337_338insGCG on transcript NM_139058.3 (MANE Select); coding-DNA positions 337 to 338, GCG inserted.
Protein change: p.Ala112_Ala113insGly.
Molecular consequence: inframe insertion.
Genome position: GRCh38 VCF-style: chrX-25013657-G-GCGC. GRCh37 (hg19) VCF-style: chrX-25031774-G-GCGC.
Identifiers: ClinVar variation 1196780 (VCV001196780.2), dbSNP rs2147324349, ClinGen allele CA2499226597.
Genomic context (GRCh38, chrX:25,013,657, plus strand): 5'-GCGGTTGGCGGTGGCGGCGGAGGGGCCTCCCCGCGTGGACCCGCCGTGGCCGTGGCGGCC[G>GCGC]CTGCCGCCGCCGCCGCCGCCGCCGCCGCCGCCGCTGCCGCACCCTGAAGGAGGCGGCCCC-3'

ClinVar aggregate classification (germline): Likely benign (1 of 4 stars; one submission).

Submission:

GeneDx
Classification: Likely benign. Last evaluated: 2015-03-03. Review status: criteria provided, single submitter. Criteria: GeneDx Variant Classification Process June 2021. Collection method: clinical testing. Allele origin: germline. Affected: yes.
Comment: This variant is associated with the following publications: (PMID: 15199382)